The following is an entry in ClinVar:

NM_000263.4(NAGLU):c.755C>T (p.Ala252Val)

Gene: NAGLU (N-acetyl-alpha-glucosaminidase; plus strand). Cytogenetic location: 17q21.2.
Variant type: single nucleotide variant.
Coding change: c.755C>T on transcript NM_000263.4 (MANE Select); coding-DNA position 755, C replaced by T.
Protein change: p.Ala252Val; replaces alanine 252 with valine.
Molecular consequence: missense variant.
Genome position (GRCh38, 1-based): chr17:42,538,746, C>T. VCF-style: chr17-42538746-C-T. GRCh37 (hg19) VCF-style: chr17-40690764-C-T.
Other names: short protein forms A252V.
Identifiers: ClinVar variation 3751613 (VCV003751613.2).

ClinVar aggregate classification (germline): Uncertain significance (1 of 4 stars; one submission).

Conditions:
Charcot-Marie-Tooth disease axonal type 2V. Also called: CHARCOT-MARIE-TOOTH NEUROPATHY, TYPE 2V; CHARCOT-MARIE-TOOTH DISEASE, AXONAL, AUTOSOMAL DOMINANT, TYPE 2V. Identifiers: Orphanet 447964, MedGen C5569050, MONDO:0014665, OMIM 616491.
Mucopolysaccharidosis, MPS-III-B (MPS3B). Also called: N-ACETYL-ALPHA-D-GLUCOSAMINIDASE DEFICIENCY; NAGLU DEFICIENCY; SANFILIPPO SYNDROME B; MPS III B; Mucopolysaccharidosis type IIIB (Sanfilippo B); MUCOPOLYSACCHARIDOSIS, TYPE IIIB. Identifiers: Orphanet 79270, MedGen C0086648, MONDO:0009656, OMIM 252920.

gnomAD v4.1: 1 of 1,613,972 alleles (0.000062%); highest among the groups gnomAD compares: Non-Finnish European, 0.000085%; no homozygotes.

Submission:

Labcorp Genetics (formerly Invitae), Labcorp
Classification: Uncertain significance for Charcot-Marie-Tooth disease axonal type 2V; Mucopolysaccharidosis, MPS-III-B. Last evaluated: 2024-11-25. Review status: criteria provided, single submitter. Criteria: Invitae Variant Classification Sherloc (09022015). Collection method: clinical testing. Allele origin: germline.
Comment: This sequence change replaces alanine, which is neutral and non-polar, with valine, which is neutral and non-polar, at codon 252 of the NAGLU protein (p.Ala252Val). This variant is not present in population databases (gnomAD no frequency). This variant has not been reported in the literature in individuals affected with NAGLU-related conditions. Invitae Evidence Modeling of protein sequence and biophysical properties (such as structural, functional, and spatial information, amino acid conservation, physicochemical variation, residue mobility, and thermodynamic stability) has been performed for this missense variant. However, the output from this modeling did not meet the statistical confidence thresholds required to predict the impact of this variant on NAGLU protein function. In summary, the available evidence is currently insufficient to determine the role of this variant in disease. Therefore, it has been classified as a Variant of Uncertain Significance.